The following is an entry in ClinVar:

ClinVar aggregate classification (germline): Likely pathogenic (1 of 4 stars; one submission).

Conditions:
Niemann-Pick disease, type C1. Also called: NIEMANN-PICK DISEASE, VARIANT TYPE C1; NIEMANN-PICK DISEASE WITHOUT SPHINGOMYELINASE DEFICIENCY; NIEMANN-PICK DISEASE, CHRONIC NEURONOPATHIC FORM; NEUROVISCERAL STORAGE DISEASE WITH VERTICAL SUPRANUCLEAR OPHTHALMOPLEGIA; NIEMANN-PICK DISEASE WITH CHOLESTEROL ESTERIFICATION BLOCK. Identifiers: Orphanet 646, MedGen C3179455, MONDO:0009757, OMIM 257220.

Submission:

Myriad Genetics, Inc.
Classification: Likely pathogenic for Niemann-Pick disease, type C1. Last evaluated: 2019-12-05. Review status: criteria provided, single submitter. Criteria: Myriad Women's Health Autosomal Recessive and X-Linked Classification Criteria (2019). Collection method: clinical testing. Allele origin: unknown.
Comment: NM_000271.4(NPC1):c.2901C>A(C967*) is expected to be pathogenic in the context of Niemann-Pick disease type C1. This variant is predicted to lead to an abnormal or absent protein product due to the creation of a premature termination codon in NPC1, a gene where loss-of-function variants are known to be pathogenic. Please note: this variant was assessed in the context of healthy population screening.

NM_000271.5(NPC1):c.2901C>A (p.Cys967Ter)

Gene: NPC1 (NPC intracellular cholesterol transporter 1; minus strand). Cytogenetic location: 18q11.2.
Variant type: single nucleotide variant.
Coding change: c.2901C>A on transcript NM_000271.5 (MANE Select); coding-DNA position 2901, C replaced by A.
Protein change: p.Cys967Ter; replaces cysteine 967 with a stop codon.
Molecular consequence: nonsense.
Genome position (GRCh38, 1-based): chr18:23,539,365, G>T on the plus strand (C>A on the coding strand, the complement: NPC1 is on the minus strand). VCF-style: chr18-23539365-G-T. GRCh37 (hg19) VCF-style: chr18-21119329-G-T.
Other names: short protein forms C967*.
Identifiers: ClinVar variation 984319 (VCV000984319.3), dbSNP rs2058679233, ClinGen allele CA401792383.